The following is an entry in ClinVar:

ClinVar aggregate classification (germline): Likely benign (1 of 4 stars; one submission).

Conditions:
DLX4-related disorder. Also called: DLX4-related condition.

gnomAD v4.1: 1,654 of 1,613,228 alleles (0.1%); highest among the groups gnomAD compares: Non-Finnish European, 0.13%; 1 homozygote.

Submission:

PreventionGenetics, part of Exact Sciences
Classification: Likely benign for DLX4-related condition. Last evaluated: 2026-03-29. Review status: criteria provided, single submitter. Criteria: ACMG Guidelines, 2015. Collection method: clinical testing. Allele origin: germline.
Comment: This variant is classified as likely benign based on ACMG/AMP sequence variant interpretation guidelines (Richards et al. 2015 PMID: 25741868, with internal and published modifications).

NM_138281.3(DLX4):c.85G>T (p.Ala29Ser)

Gene: DLX4 (distal-less homeobox 4; plus strand). Cytogenetic location: 17q21.33.
Variant type: single nucleotide variant.
Coding change: c.85G>T on transcript NM_138281.3 (MANE Select); coding-DNA position 85, G replaced by T.
Protein change: p.Ala29Ser; replaces alanine 29 with serine.
Molecular consequence: missense variant.
Genome position (GRCh38, 1-based): chr17:49,969,553, G>T. VCF-style: chr17-49969553-G-T. GRCh37 (hg19) VCF-style: chr17-48046917-G-T.
Other names: short protein forms A29S.
Identifiers: ClinVar variation 4980309 (VCV004980309.1).